The following is an entry in ClinVar:

NM_000091.5(COL4A3):c.2657-1G>T

Genes: MFF-DT (MFF divergent transcript; minus strand), COL4A3 (collagen type IV alpha 3 chain; plus strand). Cytogenetic location: 2q36.3.
Variant type: single nucleotide variant.
Coding change: c.2657-1G>T on transcript NM_000091.5 (MANE Select); the canonical splice acceptor site of the intron before coding-DNA position 2657, G replaced by T.
Molecular consequence: splice acceptor variant.
Genome position (GRCh38, 1-based): chr2:227,283,766, G>T. VCF-style: chr2-227283766-G-T. GRCh37 (hg19) VCF-style: chr2-228148482-G-T.
Identifiers: ClinVar variation 397521 (VCV000397521.14), dbSNP rs373324875, ClinGen allele CA16609390.

ClinVar aggregate classification (germline): Conflicting classifications of pathogenicity. Review status: criteria provided, conflicting classifications (1 of 4 stars). 4 submissions from 4 submitters: Pathogenic (1); Likely pathogenic (2); Uncertain significance (1). Last evaluated 2026-03-23.

Conditions:
Hematuria, benign familial, 2 (BFH2). Identifiers: MedGen C5830421, MONDO:0958186, OMIM 620320.
Hematuria. Identifiers: MedGen C0018965, HP:0000790.
Glomerulopathy. Also called: Glomerulopathies; Glomerular disease; Glomerular disorder. Identifiers: Orphanet 93548, MedGen C0268731, MONDO:0019722, HP:0100820.

Submissions (4):

Dasa
Classification: Likely pathogenic. Last evaluated: 2026-03-23. Review status: criteria provided, single submitter. Criteria: DASA Assertion Criteria. Collection method: clinical testing. Allele origin: germline.
Comment: NM_000091.5(COL4A3):c.2657-1G>T affects a canonical splice site and is predicted to disrupt normal RNA splicing. Loss of function is an established disease mechanism for COL4A3-associated disorders. This variant has been reported in individuals with COL4A3-related disorders (PMID: 25307543). Also, this variant is rare in population databases. Based on the currently available evidence, this variant is classified as likely pathogenic.

Centre de Génétique Humaine, Institut de Pathologie Et de Génétique
Classification: Pathogenic for Hematuria, benign familial, 2. Last evaluated: 2026-03-20. Review status: criteria provided, single submitter. Criteria: ACMG Guidelines, 2015. Collection method: clinical testing. Allele origin: paternal. Inheritance: Autosomal dominant inheritance. Affected: yes. Observed: 1 variant allele, 1 heterozygote. Segregation with disease observed.
Comment: Variant located in the canonical acceptor splice site of intron 32 (PVS1). Analysis of the transcript performed in our laboratory confirms the skipping of exon 33, resulting in a inframe deletion of 30 residues in collagenous region (PS3). Another variant affecting the same nucleotide described c.2657-1G>A, PMID: 34222438 (PM1). This variant is rare: absent in gnomAD v4.1.0 database (PM2). Described in patient with AR Alport S (PP5)

Labcorp Genetics (formerly Invitae), Labcorp
Classification: Likely pathogenic. Last evaluated: 2021-03-28. Review status: criteria provided, single submitter. Criteria: Invitae Variant Classification Sherloc (09022015). Collection method: clinical testing. Allele origin: germline.
Comment: In summary, the currently available evidence indicates that the variant is pathogenic, but additional data are needed to prove that conclusively. Therefore, this variant has been classified as Likely Pathogenic. Donor and acceptor splice site variants typically lead to a loss of protein function (PMID: 16199547), and loss-of-function variants in COL4A3 are known to be pathogenic (PMID: 8956999, 24854265, 26809805, 27281700). Algorithms developed to predict the effect of sequence changes on RNA splicing suggest that this variant may disrupt the consensus splice site, but this prediction has not been confirmed by published transcriptional studies. This variant has been observed in individual(s) with COL4A3-related conditions (PMID: 25307543). ClinVar contains an entry for this variant (Variation ID: 397521). This variant is not present in population databases (ExAC no frequency). This sequence change affects an acceptor splice site in intron 32 of the COL4A3 gene. It is expected to disrupt RNA splicing and likely results in an absent or disrupted protein product.

Center of Genomic medicine, Geneva, University Hospital of Geneva
Classification: Uncertain significance for Glomerulopathy; Hematuria. Last evaluated: 2016-12-06. Review status: criteria provided, single submitter. Criteria: ACMG Guidelines, 2015. Collection method: clinical testing. Allele origin: maternal. Affected: yes.

Literature cited by the submitters: PubMed 25307543 (cited by 3 submitters); PubMed 16199547 (cited by Labcorp Genetics (formerly Invitae), Labcorp); PubMed 8956999 (cited by Labcorp Genetics (formerly Invitae), Labcorp); PubMed 24854265 (cited by Labcorp Genetics (formerly Invitae), Labcorp); PubMed 26809805 (cited by Labcorp Genetics (formerly Invitae), Labcorp); PubMed 27281700 (cited by Labcorp Genetics (formerly Invitae), Labcorp).